The following is an entry in ClinVar:

NM_024747.6(HPS6):c.1854G>T (p.Arg618Ser)

Gene: HPS6 (HPS6 biogenesis of lysosomal organelles complex 2 subunit 3; plus strand). Cytogenetic location: 10q24.32.
Variant type: single nucleotide variant.
Coding change: c.1854G>T on transcript NM_024747.6 (MANE Select); coding-DNA position 1854, G replaced by T.
Protein change: p.Arg618Ser; replaces arginine 618 with serine.
Molecular consequence: missense variant.
Genome position (GRCh38, 1-based): chr10:102,067,328, G>T. VCF-style: chr10-102067328-G-T. GRCh37 (hg19) VCF-style: chr10-103827085-G-T.
Other names: short protein forms R618S.
Identifiers: ClinVar variation 2123348 (VCV002123348.4), dbSNP rs746461039, ClinGen allele CA377872858.

ClinVar aggregate classification (germline): Uncertain significance (1 of 4 stars; one submission).

Submission:

Labcorp Genetics (formerly Invitae), Labcorp
Classification: Uncertain significance. Last evaluated: 2022-04-08. Review status: criteria provided, single submitter. Criteria: Invitae Variant Classification Sherloc (09022015). Collection method: clinical testing. Allele origin: germline.
Comment: Algorithms developed to predict the effect of missense changes on protein structure and function are either unavailable or do not agree on the potential impact of this missense change (SIFT: "Tolerated"; PolyPhen-2: "Possibly Damaging"; Align-GVGD: "Class C0"). In summary, the available evidence is currently insufficient to determine the role of this variant in disease. Therefore, it has been classified as a Variant of Uncertain Significance. This variant has not been reported in the literature in individuals affected with HPS6-related conditions. This sequence change replaces arginine, which is basic and polar, with serine, which is neutral and polar, at codon 618 of the HPS6 protein (p.Arg618Ser). This variant is not present in population databases (gnomAD no frequency).